The following is an entry in ClinVar:

ClinVar aggregate classification (germline): Benign. Review status: criteria provided, multiple submitters, no conflicts (2 of 4 stars). 4 submissions from 4 submitters: Benign (3). 1 of the submissions does not count toward it. Last evaluated 2026-02-01.

Conditions:
Methylmalonic acidemia (MMA). Also called: Isolated Methylmalonic Acidemia. Identifiers: MedGen C0268583, MeSH C537358, MONDO:0002012, HP:0002912.
Combined malonic and methylmalonic acidemia. Identifiers: Orphanet 289504, MedGen C3280314, MONDO:0013661, OMIM 614265.

Allele frequency attached by ClinVar (database versions not stated): gnomAD exomes 0.00262 and 0.00589; ESP Exome Variant Server 0.00362; gnomAD 0.00369 and 0.00475; TOPMed 0.00428; ExAC 0.00636; 1000 Genomes Project 0.01258; 1000 Genomes Project 30x 0.01280.

Submissions (8):

Labcorp Genetics (formerly Invitae), Labcorp
Classification: Benign for Combined malonic and methylmalonic acidemia. Last evaluated: 2026-02-01. Review status: criteria provided, single submitter. Criteria: Invitae Variant Classification Sherloc (09022015). Collection method: clinical testing. Allele origin: germline.

GeneDx
Classification: Benign. Last evaluated: 2017-12-06. Review status: criteria provided, single submitter. Criteria: GeneDx Variant Classification (06012015). Collection method: clinical testing. Allele origin: germline. Affected: yes.
Comment: This variant is considered likely benign or benign based on one or more of the following criteria: it is a conservative change, it occurs at a poorly conserved position in the protein, it is predicted to be benign by multiple in silico algorithms, and/or has population frequency not consistent with disease.

Breakthrough Genomics
Classification: Benign. Review status: criteria provided, single submitter. Criteria: ACMG Guidelines, 2015. Collection method: not provided. Allele origin: germline. Inheritance: Unknown mechanism. Affected: yes.

Natera, Inc.
Classification: Benign for Methylmalonic acidemia. Last evaluated: 2020-09-16. Review status: no assertion criteria provided. Collection method: clinical testing. Allele origin: germline. Not counted in ClinVar's aggregate classification.

Dr. Peter K. Rogan Lab, Western University
No classification provided (evidence only). Condition: Thyroid cancer, nonmedullary, 1. Review status: no classification provided. Collection method: in vitro. Allele origin: not applicable. Functional consequence: retained intron. Not counted in ClinVar's aggregate classification.

Dr. Peter K. Rogan Lab, Western University
No classification provided (evidence only). Condition: Sarcoma. Review status: no classification provided. Collection method: in vitro. Allele origin: not applicable. Functional consequence: retained intron. Not counted in ClinVar's aggregate classification.

Dr. Peter K. Rogan Lab, Western University
No classification provided (evidence only). Condition: Sarcoma. Review status: no classification provided. Collection method: in vitro. Allele origin: not applicable. Functional consequence: retained intron. Not counted in ClinVar's aggregate classification.

Dr. Peter K. Rogan Lab, Western University
No classification provided (evidence only). Condition: Malignant tumor of esophagus. Review status: no classification provided. Collection method: in vitro. Allele origin: not applicable. Functional consequence: skipped exon. Not counted in ClinVar's aggregate classification.

NM_001243279.3(ACSF3):c.1134G>A (p.Val378=)

Gene: ACSF3 (acyl-CoA synthetase family member 3; plus strand). Cytogenetic location: 16q24.3.
Variant type: single nucleotide variant.
Coding change: c.1134G>A on transcript NM_001243279.3 (MANE Select); coding-DNA position 1134, G replaced by A.
Protein change: p.Val378=; no amino-acid change (valine 378 retained).
Molecular consequence: synonymous variant. On other transcripts: non-coding transcript variant (3).
Genome position (GRCh38, 1-based): chr16:89,120,808, G>A. VCF-style: chr16-89120808-G-A. GRCh37 (hg19) VCF-style: chr16-89187216-G-A.
Other names: c.1134G>A, p.Val378= (NM_001127214.4, NM_174917.5); c.339G>A, p.Val113= (NM_001284316.2).
Identifiers: ClinVar variation 506656 (VCV000506656.15), dbSNP rs141088268, ClinGen allele CA8238015.